The following is an entry in ClinVar:

ClinVar aggregate classification (germline): Uncertain significance. Review status: criteria provided, multiple submitters, no conflicts (2 of 4 stars). 2 submissions from 2 submitters: Uncertain significance (2). Last evaluated 2026-07-28.

Conditions:
ELMOD3-related disorder. Also called: ELMOD3-related condition.

gnomAD v4.1: 34 of 1,614,096 alleles (0.0021%); highest among the groups gnomAD compares: South Asian, 0.026%; no homozygotes.

Submissions (2):

PreventionGenetics, part of Exact Sciences
Classification: Uncertain significance for ELMOD3-related condition. Last evaluated: 2026-07-28. Review status: criteria provided, single submitter. Criteria: ACMG Guidelines, 2015. Collection method: clinical testing. Allele origin: germline.
Comment: The ELMOD3 c.881A>G variant is predicted to result in the amino acid substitution p.His294Arg. To our knowledge, this variant has not been reported in the literature. This variant is reported in 0.026% of alleles in individuals of South Asian descent in gnomAD. At this time, the clinical significance of this variant is uncertain due to the absence of conclusive functional and genetic evidence.

Labcorp Genetics (formerly Invitae), Labcorp
Classification: Uncertain significance. Last evaluated: 2025-01-29. Review status: criteria provided, single submitter. Criteria: Invitae Variant Classification Sherloc (09022015). Collection method: clinical testing. Allele origin: germline.
Comment: This sequence change replaces histidine, which is basic and polar, with arginine, which is basic and polar, at codon 294 of the ELMOD3 protein (p.His294Arg). This variant is present in population databases (rs768984399, gnomAD 0.03%). This variant has not been reported in the literature in individuals affected with ELMOD3-related conditions. Invitae Evidence Modeling of protein sequence and biophysical properties (such as structural, functional, and spatial information, amino acid conservation, physicochemical variation, residue mobility, and thermodynamic stability) indicates that this missense variant is not expected to disrupt ELMOD3 protein function with a negative predictive value of 80%. In summary, the available evidence is currently insufficient to determine the role of this variant in disease. Therefore, it has been classified as a Variant of Uncertain Significance.

NM_001135022.2(ELMOD3):c.881A>G (p.His294Arg)

Gene: ELMOD3 (ELMO domain containing 3; plus strand). Cytogenetic location: 2p11.2.
Variant type: single nucleotide variant.
Coding change: c.881A>G on transcript NM_001135022.2 (MANE Select); coding-DNA position 881, A replaced by G.
Protein change: p.His294Arg; replaces histidine 294 with arginine.
Molecular consequence: missense variant. On other transcripts: non-coding transcript variant (3).
Genome position (GRCh38, 1-based): chr2:85,390,203, A>G. VCF-style: chr2-85390203-A-G. GRCh37 (hg19) VCF-style: chr2-85617326-A-G.
Other names: c.881A>G (NM_001135021.1); c.881A>G, p.His294Arg (NM_001329792.2, NM_001329793.2, NM_032213.5 and 3 more transcripts); short protein forms H294R.
Identifiers: ClinVar variation 3702688 (VCV003702688.2).